The following is an entry in ClinVar:

ClinVar aggregate classification (germline): Uncertain significance. Review status: criteria provided, multiple submitters, no conflicts (2 of 4 stars). 2 submissions from 2 submitters: Uncertain significance (2). Last evaluated 2025-11-17.

Conditions:
Thyroid dyshormonogenesis 6 (TDH6). Also called: Genetic transient congenital hypothyroidism; HYPOTHYROIDISM, CONGENITAL, DUE TO DYSHORMONOGENESIS, 6; THYROID HORMONOGENESIS, GENETIC DEFECT IN, 6. Identifiers: Orphanet 226316, Orphanet 95716, MedGen C1846632, MONDO:0011792, OMIM 607200.

Submissions (2):

Labcorp Genetics (formerly Invitae), Labcorp
Classification: Uncertain significance. Last evaluated: 2025-11-17. Review status: criteria provided, single submitter. Criteria: Invitae Variant Classification Sherloc (09022015). Collection method: clinical testing. Allele origin: germline.
Comment: This variant, c.2314_2316del, results in the deletion of 1 amino acid(s) of the DUOX2 protein (p.Phe772del), but otherwise preserves the integrity of the reading frame. This variant is present in population databases (rs756177272, gnomAD 0.005%). This variant has been observed in individual(s) with congenital hypothyroidism (PMID: 34564849, 37390946, 39126042). Experimental studies and prediction algorithms are not available or were not evaluated, and the functional significance of this variant is currently unknown. In summary, the available evidence is currently insufficient to determine the role of this variant in disease. Therefore, it has been classified as a Variant of Uncertain Significance.

Juno Genomics, Hangzhou Juno Genomics, Inc
Classification: Uncertain significance for Thyroid dyshormonogenesis 6. Review status: criteria provided, single submitter. Criteria: ACMG Guidelines, 2015. Collection method: clinical testing. Allele origin: germline.
Comment: Absent from controls (or at extremely low frequency if recessive) in Genome Aggregation Database.;Protein length changes due to in-frame deletions/insertions in a non-repeat region or stop-loss variants.

Literature cited by the submitters: PubMed 34564849 (cited by Labcorp Genetics (formerly Invitae), Labcorp); PubMed 37390946 (cited by Labcorp Genetics (formerly Invitae), Labcorp); PubMed 39126042 (cited by Labcorp Genetics (formerly Invitae), Labcorp).

NM_001363711.2(DUOX2):c.2311TTC[1] (p.Phe772del)

Gene: DUOX2 (dual oxidase 2; minus strand). Cytogenetic location: 15q21.1.
Variant type: Microsatellite.
Coding change: c.2311TTC[1] on transcript NM_001363711.2 (MANE Select); one copy of the 3-base unit TTC starting at c.2311; the reference has two copies in a row; one copy, 3 bases deleted; also written c.2314_2316del.
Protein change: p.Phe772del; deletes phenylalanine 772.
Molecular consequence: inframe deletion.
Genome position (GRCh38, 1-based): chr15:45,105,661-45,105,663, GAA deleted on the plus strand (TTC on the coding strand, the reverse complement: DUOX2 is on the minus strand); deleting any 3 consecutive bases within chr15:45,105,661-45,105,668 gives the same sequence; the position shown is the placement nearest the transcript's 3' end. VCF-style (leftmost placement, unchanged base first): chr15-45105660-TGAA-T. GRCh37 (hg19) VCF-style: chr15-45397858-TGAA-T.
Other names: c.2314_2316del (NM_001363711.2); c.2311TTC[1], p.Phe772del (NM_014080.5); short protein forms F772del.
Identifiers: ClinVar variation 1462933 (VCV001462933.6), dbSNP rs756177272, ClinGen allele CA7538302.